The following is an entry in ClinVar:

NM_024426.6(WT1):c.24C>A (p.Asp8Glu)

Genes: WT1 (WT1 transcription factor; minus strand), LOC107982234 (WT1/WT1-AS bi-directional promoter region; plus strand). Cytogenetic location: 11p13.
Variant type: single nucleotide variant.
Coding change: c.24C>A on transcript NM_024426.6 (MANE Select); coding-DNA position 24, C replaced by A.
Protein change: p.Asp8Glu; replaces aspartic acid 8 with glutamic acid.
Molecular consequence: missense variant. On other transcripts: non-coding transcript variant (1).
Genome position (GRCh38, 1-based): chr11:32,435,337, G>T on the plus strand (C>A on the coding strand, the complement: WT1 is on the minus strand). VCF-style: chr11-32435337-G-T. GRCh37 (hg19) VCF-style: chr11-32456883-G-T.
Other names: c.24C>A, p.Asp8Glu (NM_000378.6, NM_024424.5); short protein forms D8E.
Identifiers: ClinVar variation 1022558 (VCV001022558.8), dbSNP rs1393437791, ClinGen allele CA379966545.

ClinVar aggregate classification (germline): Uncertain significance (1 of 4 stars; one submission).

Conditions:
Frasier syndrome. Identifiers: Orphanet 347, MedGen C0950122, MeSH D052159, MONDO:0007635, OMIM 136680.
Wilms tumor 1 (WT1). Also called: Wilms tumor, somatic. Identifiers: Orphanet 654, MedGen CN033288, MONDO:0008679, OMIM 194070.
Drash syndrome (DDS). Also called: WILMS TUMOR AND PSEUDO- OR TRUE HERMAPHRODITISM; NEPHROPATHY, WILMS TUMOR, AND GENITAL ANOMALIES. Identifiers: Orphanet 220, MedGen C0950121, MONDO:0008682, OMIM 194080.
11p partial monosomy syndrome (WAGR). Also called: WAGR Complex; CHROMOSOME 11p13 DELETION SYNDROME; WAGR Spectrum Disorder; WAGR syndrome. Identifiers: Orphanet 893, MedGen C0206115, MONDO:0008681, OMIM 194072.

Submission:

Labcorp Genetics (formerly Invitae), Labcorp
Classification: Uncertain significance for Wilms tumor 1; Drash syndrome; 11p partial monosomy syndrome; Frasier syndrome. Last evaluated: 2021-10-02. Review status: criteria provided, single submitter. Criteria: Invitae Variant Classification Sherloc (09022015). Collection method: clinical testing. Allele origin: germline.
Comment: This sequence change replaces aspartic acid with glutamic acid at codon 3 of the WT1 protein (p.Asp3Glu). The aspartic acid residue is weakly conserved and there is a small physicochemical difference between aspartic acid and glutamic acid. The frequency data for this variant in the population databases is considered unreliable, as metrics indicate insufficient coverage at this position in the ExAC database. This variant has not been reported in the literature in individuals affected with WT1-related conditions. Algorithms developed to predict the effect of missense changes on protein structure and function output the following: SIFT: "Tolerated"; PolyPhen-2: "Benign"; Align-GVGD: "Class C0". The glutamic acid amino acid residue is found in multiple mammalian species, which suggests that this missense change does not adversely affect protein function. In summary, the available evidence is currently insufficient to determine the role of this variant in disease. Therefore, it has been classified as a Variant of Uncertain Significance.